The following is an entry in ClinVar:

ClinVar aggregate classification (germline): Uncertain significance (1 of 4 stars; one submission).

Submission:

Labcorp Genetics (formerly Invitae), Labcorp
Classification: Uncertain significance. Last evaluated: 2022-09-02. Review status: criteria provided, single submitter. Criteria: Invitae Variant Classification Sherloc (09022015). Collection method: clinical testing. Allele origin: germline.
Comment: This sequence change replaces proline, which is neutral and non-polar, with serine, which is neutral and polar, at codon 60 of the TIMM50 protein (p.Pro60Ser). This variant is not present in population databases (gnomAD no frequency). This variant has not been reported in the literature in individuals affected with TIMM50-related conditions. Algorithms developed to predict the effect of missense changes on protein structure and function output the following: SIFT: "Not Available"; PolyPhen-2: "Benign"; Align-GVGD: "Not Available". The serine amino acid residue is found in multiple mammalian species, which suggests that this missense change does not adversely affect protein function. In summary, the available evidence is currently insufficient to determine the role of this variant in disease. Therefore, it has been classified as a Variant of Uncertain Significance.

NC_000019.10:g.39480722C>T

Gene: TIMM50 (translocase of inner mitochondrial membrane 50; plus strand). Cytogenetic location: 19q13.2.
Variant type: single nucleotide variant.
Genome position: GRCh38 VCF-style: chr19-39480722-C-T. GRCh37 (hg19) VCF-style: chr19-39971362-C-T.
Identifiers: ClinVar variation 1912306 (VCV001912306.2), dbSNP rs1164726915, ClinGen allele CA405785558.
Genomic context (GRCh38, chr19:39,480,722, plus strand): 5'-CAGTTGTCGCCCCCAGGGTCAGCCAGGAGACTAGTCAGAAGCAAACGCGCCTGCGGCAAT[C>T]CGCCCGATGCCTTTGGTCTCTCTCGGGCTTCCGTCCACCCGCCCCTCCCCCGCGTTTCCA-3'